The following is an entry in ClinVar:

ClinVar aggregate classification (germline): Pathogenic (1 of 4 stars; one submission).

Conditions:
Nemaline myopathy 10 (NEM10). Identifiers: MedGen C4015360, MONDO:0014513, OMIM 616165.

gnomAD v4.1: 1 of 1,613,866 alleles (0.000062%); highest among the groups gnomAD compares: African/African-American, 0.0013%; no homozygotes.

Submission:

Labcorp Genetics (formerly Invitae), Labcorp
Classification: Pathogenic for Nemaline myopathy 10. Last evaluated: 2024-05-03. Review status: criteria provided, single submitter. Criteria: Invitae Variant Classification Sherloc (09022015). Collection method: clinical testing. Allele origin: germline.
Comment: This sequence change creates a premature translational stop signal (p.Glu338*) in the LMOD3 gene. It is expected to result in an absent or disrupted protein product. Loss-of-function variants in LMOD3 are known to be pathogenic (PMID: 25250574). This variant is not present in population databases (gnomAD no frequency). This variant has not been reported in the literature in individuals affected with LMOD3-related conditions. For these reasons, this variant has been classified as Pathogenic.

Literature cited by the submitters: PubMed 25250574.

NM_198271.5(LMOD3):c.1012G>T (p.Glu338Ter)

Gene: LMOD3 (leiomodin 3; minus strand). Cytogenetic location: 3p14.1.
Variant type: single nucleotide variant.
Coding change: c.1012G>T on transcript NM_198271.5 (MANE Select); coding-DNA position 1012, G replaced by T.
Protein change: p.Glu338Ter; replaces glutamic acid 338 with a stop codon.
Molecular consequence: nonsense.
Genome position (GRCh38, 1-based): chr3:69,119,343, C>A on the plus strand (G>T on the coding strand, the complement: LMOD3 is on the minus strand). VCF-style: chr3-69119343-C-A. GRCh37 (hg19) VCF-style: chr3-69168494-C-A.
Other names: c.1012G>T, p.Glu338Ter (NM_001304418.3); short protein forms E338*.
Identifiers: ClinVar variation 3691947 (VCV003691947.2).